The following is an entry in ClinVar:

ClinVar aggregate classification (germline): Pathogenic (1 of 4 stars; one submission).

Conditions:
Neurofibromatosis, type 1 (NF1). Also called: Peripheral type neurofibromatosis; VON RECKLINGHAUSEN DISEASE; NEUROFIBROMATOSIS, TYPE I, SOMATIC; Neurofibromatosis, type I. Identifiers: Orphanet 636, MedGen C0027831, MONDO:0018975, OMIM 162200. Disease mechanism: loss of function.

Submission:

Labcorp Genetics (formerly Invitae), Labcorp
Classification: Pathogenic for Neurofibromatosis, type 1. Last evaluated: 2021-02-14. Review status: criteria provided, single submitter. Criteria: Invitae Variant Classification Sherloc (09022015). Collection method: clinical testing. Allele origin: germline.
Comment: For these reasons, this variant has been classified as Pathogenic. This variant has not been reported in the literature in individuals with NF1-related conditions. This variant is not present in population databases (ExAC no frequency). This sequence change creates a premature translational stop signal (p.Ser1733Tyrfs*2) in the NF1 gene. It is expected to result in an absent or disrupted protein product. Loss-of-function variants in NF1 are known to be pathogenic (PMID: 10712197, 23913538).

Literature cited by the submitters: PubMed 10712197; PubMed 23913538.

NM_001042492.3(NF1):c.5259_5260del (p.Ser1754fs)

Gene: NF1 (neurofibromin 1; plus strand). Cytogenetic location: 17q11.2.
Variant type: Deletion.
Coding change: c.5259_5260del on transcript NM_001042492.3 (MANE Select); coding-DNA positions 5259 to 5260, 2 bases deleted (TT; older notation c.5259_5260delTT).
Protein change: p.Ser1754fs; shifts the reading frame from serine 1754.
Molecular consequence: frameshift variant.
Genome position (GRCh38, 1-based): chr17:31,326,243-31,326,244, TT deleted; deleting any 2 consecutive bases within chr17:31,326,242-31,326,244 gives the same sequence; the c. name uses the placement nearest the transcript's 3' end. VCF-style (leftmost placement, unchanged base first): chr17-31326241-GTT-G. GRCh37 (hg19) VCF-style: chr17-29653259-GTT-G.
Other names: c.5196_5197delTT, p.Ser1733Tyrfs (NM_000267.4); short protein forms S1733fs, S1754fs.
Identifiers: ClinVar variation 1436654 (VCV001436654.6), dbSNP rs2151539085, ClinGen allele CA2573153385.
Genomic context (GRCh38, chr17:31,326,241, plus strand): 5'-TTAGAAGAGGACCTGAAGGTATTCCACAATGCTCTCAAGCTAGCTCACAAAGACACCAAA[GTT>G]TCTATTAAAGTAAGTTCCAGTCTGTGTTTTGTAAACGATTCATTGCTTTTCTTGACTAAC-3'